The following is an entry in ClinVar:

ClinVar aggregate classification (germline): Uncertain significance. Review status: criteria provided, multiple submitters, no conflicts (2 of 4 stars). 4 submissions from 4 submitters: Uncertain significance (4). Last evaluated 2026-04-23.

Conditions:
Hereditary cancer-predisposing syndrome. Also called: Neoplastic Syndromes, Hereditary; Tumor predisposition; Hereditary neoplastic syndrome; Hereditary Cancer Syndrome. Identifiers: Orphanet 140162, MedGen C0027672, MeSH D009386, MONDO:0015356.
Familial cancer of breast. Also called: BREAST CANCER, FAMILIAL; hereditary breast carcinoma; Hereditary breast cancer. Identifiers: Orphanet 227535, MedGen C0346153, MONDO:0016419, OMIM 114480. Disease mechanism: loss of function.
Ataxia-telangiectasia syndrome (AT). Also called: Ataxia telangiectasia (A-T); LOUIS-BAR SYNDROME; Cerebello-oculocutaneous telangiectasia; Immunodeficiency with ataxia telangiectasia; Ataxia-telangiectasia, complementation group E; Ataxia-telangiectasia, complementation group D. Identifiers: Orphanet 100, MedGen C0004135, MONDO:0008840, OMIM 208900.

Allele frequency attached by ClinVar (database versions not stated): gnomAD 0.00014 and 0.00013; gnomAD exomes 0.00001 and 0.00005; TOPMed 0.00008.
gnomAD v4.1: 34 of 1,610,192 alleles (0.0021%); highest among the groups gnomAD compares: Admixed American, 0.054%; no homozygotes.

Submissions (4):

Ambry Genetics
Classification: Uncertain significance for Hereditary cancer-predisposing syndrome. Last evaluated: 2026-04-23. Review status: criteria provided, single submitter. Criteria: Ambry Variant Classification Scheme 2023. Collection method: clinical testing. Allele origin: germline.
Comment: The p.C1423R variant (also known as c.4267T>C), located in coding exon 28 of the ATM gene, results from a T to C substitution at nucleotide position 4267. The cysteine at codon 1423 is replaced by arginine, an amino acid with highly dissimilar properties. This alteration has not been reported in 7636 unselected prostate cancer patients and with a carrier frequency of 0.00008 in 12366 male controls of Japanese ancestry (Momozawa Y et al. J Natl Cancer Inst, 2020 04;112:369-376). This variant was detected as homozygous in individual(s) with no reported features of ataxia-telangiectasia (Ambry internal data). This amino acid position is highly conserved in available vertebrate species. In addition, this alteration is predicted to be deleterious by in silico analysis. Based on the available evidence, the clinical significance of this variant remains unclear.

Labcorp Genetics (formerly Invitae), Labcorp
Classification: Uncertain significance for Ataxia-telangiectasia syndrome. Last evaluated: 2025-10-09. Review status: criteria provided, single submitter. Criteria: Invitae Variant Classification Sherloc (09022015). Collection method: clinical testing. Allele origin: germline.
Comment: This sequence change replaces cysteine, which is neutral and slightly polar, with arginine, which is basic and polar, at codon 1423 of the ATM protein (p.Cys1423Arg). This variant is present in population databases (rs587782442, gnomAD 0.04%). This missense change has been observed in individual(s) with breast cancer (PMID: 34196900). ClinVar contains an entry for this variant (Variation ID: 142407). Invitae Evidence Modeling of protein sequence and biophysical properties (such as structural, functional, and spatial information, amino acid conservation, physicochemical variation, residue mobility, and thermodynamic stability) has been performed for this missense variant. However, the output from this modeling did not meet the statistical confidence thresholds required to predict the impact of this variant on ATM protein function. In summary, the available evidence is currently insufficient to determine the role of this variant in disease. Therefore, it has been classified as a Variant of Uncertain Significance.

Women's Health and Genetics/Laboratory Corporation of America, LabCorp
Classification: Uncertain significance. Last evaluated: 2024-08-23. Review status: criteria provided, single submitter. Criteria: LabCorp Variant Classification Summary - May 2015. Collection method: clinical testing. Allele origin: germline.
Comment: Variant summary: ATM c.4267T>C (p.Cys1423Arg) results in a non-conservative amino acid change in the encoded protein sequence. Four of five in-silico tools predict a damaging effect of the variant on protein function. The variant allele was found at a frequency of 4.8e-05 in 248814 control chromosomes. This frequency is not significantly higher than estimated for a pathogenic variant in ATM causing Ataxia-Telangiectasia (4.8e-05 vs 0.004), allowing no conclusion about variant significance. c.4267T>C has been reported in the literature in at-least one individual affected with Breast cancer without strong evidence for causality (example: Ren_2021). These report(s) do not provide unequivocal conclusions about association of the variant with Ataxia-Telangiectasia. To our knowledge, no experimental evidence demonstrating an impact on protein function has been reported. The following publications have been ascertained in the context of this evaluation (PMID: 30287823, 34196900). ClinVar contains an entry for this variant (Variation ID: 142407). Based on the evidence outlined above, the variant was classified as uncertain significance.

Baylor Genetics
Classification: Uncertain significance for Familial cancer of breast. Last evaluated: 2023-12-07. Review status: criteria provided, single submitter. Criteria: ACMG Guidelines, 2015. Collection method: clinical testing. Allele origin: unknown.

Literature cited by the submitters: PubMed 31214711 (cited by Ambry Genetics); PubMed 40580951 (cited by Ambry Genetics); PubMed 34196900 (cited by Labcorp Genetics (formerly Invitae), Labcorp and Women's Health and Genetics/Laboratory Corporation of America, LabCorp); PubMed 30287823 (cited by Women's Health and Genetics/Laboratory Corporation of America, LabCorp).

NM_000051.4(ATM):c.4267T>C (p.Cys1423Arg)

Gene: ATM (ATM serine/threonine kinase; plus strand). Cytogenetic location: 11q22.3.
Variant type: single nucleotide variant.
Coding change: c.4267T>C on transcript NM_000051.4 (MANE Select); coding-DNA position 4267, T replaced by C.
Protein change: p.Cys1423Arg; replaces cysteine 1423 with arginine.
Molecular consequence: missense variant.
Genome position (GRCh38, 1-based): chr11:108,289,632, T>C. VCF-style: chr11-108289632-T-C. GRCh37 (hg19) VCF-style: chr11-108160359-T-C.
Other names: c.4267T>C, p.Cys1423Arg (NM_001351834.2); short protein forms C1423R.
Identifiers: ClinVar variation 142407 (VCV000142407.16), dbSNP rs587782442, ClinGen allele CA168256.